The following is an entry in ClinVar:

NM_001353214.3(DYM):c.2111A>G (p.Asn704Ser)

Genes: DYM (dymeclin; minus strand), DYM-AS1 (DYM antisense RNA 1; plus strand). Cytogenetic location: 18q21.1.
Variant type: single nucleotide variant.
Coding change: c.2111A>G on transcript NM_001353214.3 (MANE Select); coding-DNA position 2111, A replaced by G.
Protein change: p.Asn704Ser; replaces asparagine 704 with serine.
Molecular consequence: missense variant. On other transcripts: 3 prime UTR variant (2).
Genome position (GRCh38, 1-based): chr18:49,044,119, T>C on the plus strand (A>G on the coding strand, the complement: DYM is on the minus strand). VCF-style: chr18-49044119-T-C. GRCh37 (hg19) VCF-style: chr18-46570489-T-C.
Other names: c.1943A>G, p.Asn648Ser (NM_001353210.3, NM_001353211.3); c.2108A>G, p.Asn703Ser (NM_001353212.3, NM_001353213.3); c.1928A>G, p.Asn643Ser (NM_001353215.3); c.1763A>G, p.Asn588Ser (NM_001353216.3, NM_001374437.1); c.2111A>G, p.Asn704Ser (NM_001374428.1); c.2105A>G, p.Asn702Ser (NM_001374429.1); c.*70A>G (NM_001374430.1, NM_001374433.1); c.1997A>G, p.Asn666Ser (NM_001374431.1); and 13 more; short protein forms N573S, N459S, N587S, N588S, N649S, N662S, N666S, N458S.
Identifiers: ClinVar variation 1950510 (VCV001950510.6), dbSNP rs373518434, ClinGen allele CA8957902.

ClinVar aggregate classification (germline): Uncertain significance. Review status: criteria provided, multiple submitters, no conflicts (2 of 4 stars). 2 submissions from 2 submitters: Uncertain significance (2). Last evaluated 2025-02-11.

Conditions:
Inborn genetic diseases. Identifiers: MedGen C0950123, MeSH D030342.

Allele frequency attached by ClinVar (database versions not stated): ExAC 0.00001; gnomAD 0.00001; TOPMed 0.00002; ESP Exome Variant Server 0.00008.
gnomAD v4.1: 2 of 1,614,010 alleles (0.00012%); highest among the groups gnomAD compares: African/African-American, 0.0027%; no homozygotes.

Submissions (2):

Ambry Genetics
Classification: Uncertain significance for Inborn genetic diseases. Last evaluated: 2025-02-11. Review status: criteria provided, single submitter. Criteria: Ambry Variant Classification Scheme 2023. Collection method: clinical testing. Allele origin: germline.

Labcorp Genetics (formerly Invitae), Labcorp
Classification: Uncertain significance. Last evaluated: 2022-09-19. Review status: criteria provided, single submitter. Criteria: Invitae Variant Classification Sherloc (09022015). Collection method: clinical testing. Allele origin: germline.
Comment: In summary, the available evidence is currently insufficient to determine the role of this variant in disease. Therefore, it has been classified as a Variant of Uncertain Significance. Algorithms developed to predict the effect of sequence changes on RNA splicing suggest that this variant may create or strengthen a splice site. Advanced modeling of protein sequence and biophysical properties (such as structural, functional, and spatial information, amino acid conservation, physicochemical variation, residue mobility, and thermodynamic stability) performed at Invitae indicates that this missense variant is not expected to disrupt DYM protein function. This variant has not been reported in the literature in individuals affected with DYM-related conditions. This variant is present in population databases (rs373518434, gnomAD 0.007%). This sequence change replaces asparagine, which is neutral and polar, with serine, which is neutral and polar, at codon 649 of the DYM protein (p.Asn649Ser).